The following is an entry in ClinVar:

NM_001164665.2(KIAA1549):c.4447C>T (p.Pro1483Ser)

Gene: KIAA1549 (KIAA1549; minus strand). Cytogenetic location: 7q34.
Variant type: single nucleotide variant.
Coding change: c.4447C>T on transcript NM_001164665.2 (MANE Select); coding-DNA position 4447, C replaced by T.
Protein change: p.Pro1483Ser; replaces proline 1483 with serine.
Molecular consequence: missense variant.
Genome position (GRCh38, 1-based): chr7:138,871,261, G>A on the plus strand (C>T on the coding strand, the complement: KIAA1549 is on the minus strand). VCF-style: chr7-138871261-G-A. GRCh37 (hg19) VCF-style: chr7-138556007-G-A.
Other names: c.4447C>T (NM_001164665.1); c.4447C>T, p.Pro1483Ser (NM_020910.3); short protein forms P1483S.
Identifiers: ClinVar variation 1925972 (VCV001925972.4), dbSNP rs1239505324, ClinGen allele CA369374740.
Genomic context (GRCh38, chr7:138,871,261, plus strand): 5'-AGGGGCGCTGGACGGGAGGTGCCGGGATCGGCTGCATGGCGATAAGCTGGATCTTACTGG[G>A]GACCCGCCGGCTAGCCTCCGGGGGGCGGGAGATCCTGTCCACGTGCTCGAAGATGGAGGC-3'
Protein context (NP_001158137.1, residues 1473-1493): SRPPEASRRV[Pro1483Ser]SKIQLIAMQP

ClinVar aggregate classification (germline): Uncertain significance. Review status: criteria provided, multiple submitters, no conflicts (2 of 4 stars). 2 submissions from 2 submitters: Uncertain significance (2). Last evaluated 2025-08-14.

Conditions:
Inborn genetic diseases. Identifiers: MedGen C0950123, MeSH D030342.

Allele frequency attached by ClinVar (database versions not stated): gnomAD 0.00001.
gnomAD v4.1: 1 of 1,612,150 alleles (0.000062%); highest among the groups gnomAD compares: African/African-American, 0.0013%; no homozygotes.

Submissions (2):

Ambry Genetics
Classification: Uncertain significance for Inborn genetic diseases. Last evaluated: 2025-08-14. Review status: criteria provided, single submitter. Criteria: Ambry Variant Classification Scheme 2023. Collection method: clinical testing. Allele origin: germline.

Labcorp Genetics (formerly Invitae), Labcorp
Classification: Uncertain significance. Last evaluated: 2022-04-13. Review status: criteria provided, single submitter. Criteria: Invitae Variant Classification Sherloc (09022015). Collection method: clinical testing. Allele origin: germline.
Comment: In summary, the available evidence is currently insufficient to determine the role of this variant in disease. Therefore, it has been classified as a Variant of Uncertain Significance. This sequence change replaces proline, which is neutral and non-polar, with serine, which is neutral and polar, at codon 1483 of the KIAA1549 protein (p.Pro1483Ser). This variant is present in population databases (no rsID available, gnomAD 0.01%). This variant has not been reported in the literature in individuals affected with KIAA1549-related conditions. Algorithms developed to predict the effect of missense changes on protein structure and function are either unavailable or do not agree on the potential impact of this missense change (SIFT: "Deleterious"; PolyPhen-2: "Probably Damaging"; Align-GVGD: "Class C0").